The following is an entry in ClinVar:

NM_001561.6(TNFRSF9):c.408G>A (p.Trp136Ter)

Gene: TNFRSF9 (TNF receptor superfamily member 9; minus strand). Cytogenetic location: 1p36.23.
Variant type: single nucleotide variant.
Coding change: c.408G>A on transcript NM_001561.6 (MANE Select); coding-DNA position 408, G replaced by A.
Protein change: p.Trp136Ter; replaces tryptophan 136 with a stop codon.
Molecular consequence: nonsense.
Genome position (GRCh38, 1-based): chr1:7,937,695, C>T on the plus strand (G>A on the coding strand, the complement: TNFRSF9 is on the minus strand). VCF-style: chr1-7937695-C-T. GRCh37 (hg19) VCF-style: chr1-7997755-C-T.
Other names: short protein forms W136*.
Identifiers: ClinVar variation 4712165 (VCV004712165.1).

ClinVar aggregate classification (germline): Pathogenic (1 of 4 stars; one submission).

gnomAD v4.1: 2 of 1,612,952 alleles (0.00012%); highest among the groups gnomAD compares: South Asian, 0.0022%; no homozygotes.

Submission:

Labcorp Genetics (formerly Invitae), Labcorp
Classification: Pathogenic. Last evaluated: 2025-02-10. Review status: criteria provided, single submitter. Criteria: Invitae Variant Classification Sherloc (09022015). Collection method: clinical testing. Allele origin: germline.
Comment: This sequence change creates a premature translational stop signal (p.Trp136*) in the TNFRSF9 gene. It is expected to result in an absent or disrupted protein product. Loss-of-function variants in TNFRSF9 are known to be pathogenic (PMID: 30872117, 31501153). This variant is not present in population databases (gnomAD no frequency). This variant has not been reported in the literature in individuals affected with TNFRSF9-related conditions. For these reasons, this variant has been classified as Pathogenic.

Literature cited by the submitters: PubMed 30872117; PubMed 31501153.